The following is an entry in ClinVar:

ClinVar aggregate classification (germline): Uncertain significance (1 of 4 stars; one submission).

Conditions:
PCSK1-related disorder. Also called: PCSK1-related condition.

Allele frequency attached by ClinVar (database versions not stated): ExAC 0.00003; TOPMed 0.00007; ESP Exome Variant Server 0.00008; gnomAD exomes 0.00001; gnomAD 0.00009.
gnomAD v4.1: 24 of 1,613,956 alleles (0.0015%); highest among the groups gnomAD compares: African/African-American, 0.027%; 1 homozygote.

Submission:

PreventionGenetics, part of Exact Sciences
Classification: Uncertain significance for PCSK1-related condition. Last evaluated: 2025-09-03. Review status: criteria provided, single submitter. Criteria: ACMG Guidelines, 2015. Collection method: clinical testing. Allele origin: germline.
Comment: The PCSK1 c.467T>C variant is predicted to result in the amino acid substitution p.Ile156Thr. This variant was observed in a cohort of individuals with obesity, and in vitro functional studies show moderate evidence of loss of function (Table 3 and Supplemental Data Set, Shah et al. 2023. PubMed ID: 36864747). It is reported in 0.036% of alleles in individuals of African descent in gnomAD. Although we suspect this variant may be pathogenic, at this time, the clinical significance of this variant is uncertain due to the absence of conclusive functional and genetic evidence.

NM_000439.5(PCSK1):c.467T>C (p.Ile156Thr)

Genes: CAST (calpastatin; plus strand), PCSK1 (proprotein convertase subtilisin/kexin type 1; minus strand), LOC101929710 (uncharacterized LOC101929710; plus strand). Cytogenetic location: 5q15.
Variant type: single nucleotide variant.
Coding change: c.467T>C on transcript NM_000439.5 (MANE Select); coding-DNA position 467, T replaced by C.
Protein change: p.Ile156Thr; replaces isoleucine 156 with threonine.
Molecular consequence: missense variant. On other transcripts: intron variant (11).
Genome position (GRCh38, 1-based): chr5:96,423,389, A>G on the plus strand (T>C on the coding strand, the complement: PCSK1 is on the minus strand). VCF-style: chr5-96423389-A-G. GRCh37 (hg19) VCF-style: chr5-95759093-A-G.
Other names: c.-175+43737A>G (NM_001423254.1, NM_001423259.1, NM_001423255.1 and 6 more transcripts); c.-103+43737A>G (NM_001423253.1); c.-40+43737A>G (NM_001423258.1); c.326T>C, p.Ile109Thr (NM_001177875.2); short protein forms I109T, I156T.
Identifiers: ClinVar variation 2634337 (VCV002634337.2), dbSNP rs368303692, ClinGen allele CA3350478.
Genomic context (GRCh38, chr5:96,423,389, plus strand): 5'-TCCGTGTGATTCCACTCCAAACCATCATCCAGTACGGTGATAACAACTCCTTTGCCCGTA[A>G]TGCCTTTTTGCCAAACAGGTATCACATGAAGGTCCAGCTTGGGCAGGGCTGCCGTCATCC-3'
Protein context (NP_000430.3, residues 146-166): LHVIPVWQKG[Ile156Thr]TGKGVVITVL